The following is an entry in ClinVar:

NM_002206.3(ITGA7):c.3345C>A (p.His1115Gln)

Gene: ITGA7 (integrin subunit alpha 7; minus strand). Cytogenetic location: 12q13.2.
Variant type: single nucleotide variant.
Coding change: c.3345C>A on transcript NM_002206.3 (MANE Select); coding-DNA position 3345, C replaced by A.
Protein change: p.His1115Gln; replaces histidine 1115 with glutamine.
Molecular consequence: missense variant.
Genome position (GRCh38, 1-based): chr12:55,685,127, G>T on the plus strand (C>A on the coding strand, the complement: ITGA7 is on the minus strand). VCF-style: chr12-55685127-G-T. GRCh37 (hg19) VCF-style: chr12-56078911-G-T.
Other names: c.3357C>A, p.His1119Gln (NM_001144996.2); c.3066C>A, p.His1022Gln (NM_001144997.2); c.3018C>A, p.His1006Gln (NM_001367993.1); c.2001C>A, p.His667Gln (NM_001367994.1); c.3327C>A, p.His1109Gln (NM_001374465.1); c.3477C>A, p.His1159Gln (NM_001410977.1); c.3339C>A, p.His1113Gln (NM_001414029.1); c.3270C>A, p.His1090Gln (NM_001414030.1); and 5 more; short protein forms H1002Q, H1006Q, H1022Q, H1040Q, H1054Q, H1075Q, H1086Q, H1090Q.
Identifiers: ClinVar variation 3618385 (VCV003618385.2).

ClinVar aggregate classification (germline): Uncertain significance (1 of 4 stars; one submission).

Conditions:
Congenital muscular dystrophy due to integrin alpha-7 deficiency. Also called: Congenital muscular dystrophy with integrin alpha-7 deficiency; Muscular dystrophy, congenital, due to ITGA7 deficiency; MYOPATHY, CONGENITAL, DUE TO INTEGRIN ALPHA-7 DEFICIENCY. Identifiers: Orphanet 34520, MedGen C2750786, MONDO:0013177, OMIM 613204.

gnomAD v4.1: 5 of 1,612,816 alleles (0.00031%); highest among the groups gnomAD compares: Non-Finnish European, 0.00042%; no homozygotes.

Submission:

Labcorp Genetics (formerly Invitae), Labcorp
Classification: Uncertain significance for Congenital muscular dystrophy due to integrin alpha-7 deficiency. Last evaluated: 2024-08-13. Review status: criteria provided, single submitter. Criteria: Invitae Variant Classification Sherloc (09022015). Collection method: clinical testing. Allele origin: germline.
Comment: This sequence change replaces histidine, which is basic and polar, with glutamine, which is neutral and polar, at codon 1115 of the ITGA7 protein (p.His1115Gln). This variant is not present in population databases (gnomAD no frequency). This variant has not been reported in the literature in individuals affected with ITGA7-related conditions. An algorithm developed to predict the effect of missense changes on protein structure and function (PolyPhen-2) suggests that this variant is likely to be disruptive. In summary, the available evidence is currently insufficient to determine the role of this variant in disease. Therefore, it has been classified as a Variant of Uncertain Significance.